The following is an entry in ClinVar:

NM_015662.3(IFT172):c.407G>A (p.Arg136His)

Gene: IFT172 (intraflagellar transport 172; minus strand). Cytogenetic location: 2p23.3.
Variant type: single nucleotide variant.
Coding change: c.407G>A on transcript NM_015662.3 (MANE Select); coding-DNA position 407, G replaced by A.
Protein change: p.Arg136His; replaces arginine 136 with histidine.
Molecular consequence: missense variant.
Genome position (GRCh38, 1-based): chr2:27,483,655, C>T on the plus strand (G>A on the coding strand, the complement: IFT172 is on the minus strand). VCF-style: chr2-27483655-C-T. GRCh37 (hg19) VCF-style: chr2-27706522-C-T.
Other names: short protein forms R136H.
Identifiers: ClinVar variation 1035649 (VCV001035649.9), dbSNP rs763923637, ClinGen allele CA1580986.

ClinVar aggregate classification (germline): Uncertain significance. Review status: criteria provided, multiple submitters, no conflicts (2 of 4 stars). 2 submissions from 2 submitters: Uncertain significance (2). Last evaluated 2022-11-22.

Conditions:
Short-rib thoracic dysplasia 10 with or without polydactyly (SRTD10). Identifiers: Orphanet 474, MedGen C3810175, MONDO:0014284, OMIM 615630.
Retinitis pigmentosa 71 (RP71). Identifiers: Orphanet 791, MedGen C4225342, MONDO:0014618, OMIM 616394.

Allele frequency attached by ClinVar (database versions not stated): TOPMed below 0.00001; ExAC 0.00001; gnomAD 0.00001; gnomAD exomes 0.00001.
gnomAD v4.1: 21 of 1,613,870 alleles (0.0013%); highest among the groups gnomAD compares: South Asian, 0.0033%; no homozygotes.

Submissions (2):

Labcorp Genetics (formerly Invitae), Labcorp
Classification: Uncertain significance for Retinitis pigmentosa 71; Short-rib thoracic dysplasia 10 with or without polydactyly. Last evaluated: 2022-11-22. Review status: criteria provided, single submitter. Criteria: Invitae Variant Classification Sherloc (09022015). Collection method: clinical testing. Allele origin: germline.
Comment: This variant has not been reported in the literature in individuals affected with IFT172-related conditions. This variant is present in population databases (rs763923637, gnomAD 0.003%). This sequence change replaces arginine, which is basic and polar, with histidine, which is basic and polar, at codon 136 of the IFT172 protein (p.Arg136His). ClinVar contains an entry for this variant (Variation ID: 1035649). In summary, the available evidence is currently insufficient to determine the role of this variant in disease. Therefore, it has been classified as a Variant of Uncertain Significance. Advanced modeling of protein sequence and biophysical properties (such as structural, functional, and spatial information, amino acid conservation, physicochemical variation, residue mobility, and thermodynamic stability) performed at Invitae indicates that this missense variant is expected to disrupt IFT172 protein function.

Blueprint Genetics
Classification: Uncertain significance. Last evaluated: 2022-05-04. Review status: criteria provided, single submitter. Criteria: ACMG Guidelines, 2015. Collection method: clinical testing. Allele origin: germline.